The following is an entry in ClinVar:

ClinVar aggregate classification (germline): Likely benign. Review status: criteria provided, multiple submitters, no conflicts (2 of 4 stars). 4 submissions from 4 submitters: Likely benign (4). Last evaluated 2026-03-01.

Conditions:
KBG syndrome (KBGS). Also called: ANKRD11-Related KBG Syndrome. Identifiers: Orphanet 2332, MedGen C0220687, MONDO:0007846, OMIM 148050.
Inborn genetic diseases. Identifiers: MedGen C0950123, MeSH D030342.

Allele frequency attached by ClinVar (database versions not stated): ExAC 0.00005; gnomAD exomes 0.00006 and 0.00019; gnomAD 0.00013 and 0.00014; TOPMed 0.00014; ESP Exome Variant Server 0.00015.

Submissions (4):

CeGaT Center for Human Genetics Tuebingen
Classification: Likely benign. Last evaluated: 2026-03-01. Review status: criteria provided, single submitter. Criteria: CeGaT Center For Human Genetics Tuebingen Variant Classification Criteria Version 2. Collection method: clinical testing. Allele origin: germline. Affected: yes. Observed: 2 variant alleles.
Comment: ANKRD11: BP4, BP7

Labcorp Genetics (formerly Invitae), Labcorp
Classification: Likely benign for KBG syndrome. Last evaluated: 2025-12-09. Review status: criteria provided, single submitter. Criteria: Invitae Variant Classification Sherloc (09022015). Collection method: clinical testing. Allele origin: germline.

Blueprint Genetics
Classification: Likely benign. Last evaluated: 2024-02-09. Review status: criteria provided, single submitter. Criteria: ACMG Guidelines, 2015. Collection method: clinical testing. Allele origin: germline.

Ambry Genetics
Classification: Likely benign for Inborn genetic diseases. Last evaluated: 2017-10-20. Review status: criteria provided, single submitter. Criteria: Ambry Variant Classification Scheme 2023. Collection method: clinical testing. Allele origin: germline.

NM_013275.6(ANKRD11):c.5217C>T (p.Cys1739=)

Gene: ANKRD11 (ankyrin repeat domain 11; minus strand). Cytogenetic location: 16q24.3.
Variant type: single nucleotide variant.
Coding change: c.5217C>T on transcript NM_013275.6 (MANE Select); coding-DNA position 5217, C replaced by T.
Protein change: p.Cys1739=; no amino-acid change (cysteine 1739 retained).
Molecular consequence: synonymous variant.
Genome position (GRCh38, 1-based): chr16:89,281,325, G>A on the plus strand (C>T on the coding strand, the complement: ANKRD11 is on the minus strand). VCF-style: chr16-89281325-G-A. GRCh37 (hg19) VCF-style: chr16-89347733-G-A.
Other names: c.5217C>T, p.Cys1739= (NM_001256182.2, NM_001256183.2).
Identifiers: ClinVar variation 1083816 (VCV001083816.45), dbSNP rs143189255, ClinGen allele CA8241908.